The following is an entry in ClinVar:

ClinVar aggregate classification (germline): Uncertain significance. Review status: criteria provided, multiple submitters, no conflicts (2 of 4 stars). 3 submissions from 3 submitters: Uncertain significance (3). Last evaluated 2024-11-10.

Conditions:
Developmental and epileptic encephalopathy, 9 (DEE9). Also called: JUBERG-HELLMAN SYNDROME; EPILEPSY, FEMALE-RESTRICTED, WITH MENTAL RETARDATION; Early infantile epileptic encephalopathy 9; PCDH19-Related X-Linked Female-Limited Epilepsy with Mental Retardation. Identifiers: Orphanet 101039, Orphanet 2076, MedGen C1848137, MONDO:0010246, OMIM 300088. Disease mechanism: loss of function.

Allele frequency attached by ClinVar (database versions not stated): gnomAD 0.00001; gnomAD exomes 0.00001 and 0.00002; TOPMed 0.00001.
gnomAD v4.1: 22 of 1,211,099 alleles (0.0018%); highest among the groups gnomAD compares: Non-Finnish European, 0.0023%; no homozygotes.

Submissions (3):

Labcorp Genetics (formerly Invitae), Labcorp
Classification: Uncertain significance for Developmental and epileptic encephalopathy, 9. Last evaluated: 2024-11-10. Review status: criteria provided, single submitter. Criteria: Invitae Variant Classification Sherloc (09022015). Collection method: clinical testing. Allele origin: germline.
Comment: This sequence change replaces glutamic acid, which is acidic and polar, with glutamine, which is neutral and polar, at codon 240 of the PCDH19 protein (p.Glu240Gln). This variant is not present in population databases (gnomAD no frequency). This variant has not been reported in the literature in individuals affected with PCDH19-related conditions. ClinVar contains an entry for this variant (Variation ID: 206323). Invitae Evidence Modeling of protein sequence and biophysical properties (such as structural, functional, and spatial information, amino acid conservation, physicochemical variation, residue mobility, and thermodynamic stability) indicates that this missense variant is not expected to disrupt PCDH19 protein function with a negative predictive value of 95%. In summary, the available evidence is currently insufficient to determine the role of this variant in disease. Therefore, it has been classified as a Variant of Uncertain Significance.

Blueprint Genetics
Classification: Uncertain significance. Last evaluated: 2024-09-14. Review status: criteria provided, single submitter. Criteria: ACMG Guidelines, 2015. Collection method: clinical testing. Allele origin: germline.

GeneDx
Classification: Uncertain significance. Last evaluated: 2013-08-14. Review status: criteria provided, single submitter. Criteria: GeneDx Variant Classification (06012015). Collection method: clinical testing. Allele origin: germline. Affected: yes.
Comment: This variant is denoted p.Glu240Gln (GAG>CAG): c.718 G>C in exon 1 of the PCDH19 gene (NM_001105243.1). The Glu240Gln missense change has not been published as a mutation, nor has it been reported as a benign polymorphism to our knowledge. It was not observed in approximately 5,300 individuals of European and African American ancestry in the NHLBI Exome Sequencing Project, indicating it is not a common benign variant in these populations. This variant is a non-conservative amino acid substitution of a negatively charged Glutamic acid residue with an uncharged Glutamine residue at a position that is not conserved across species. In silico analysis is inconsistent with regard to the effect this variant may have on the protein structure/function. Therefore, based on the currently available information, it is unclear whether Glu240Gln is a disease-causing mutation or a rare benign variant. The variant is found in EPILEPSY panel(s).

NM_001184880.2(PCDH19):c.718G>C (p.Glu240Gln)

Gene: PCDH19 (protocadherin 19; minus strand). Cytogenetic location: Xq22.1.
Variant type: single nucleotide variant.
Coding change: c.718G>C on transcript NM_001184880.2 (MANE Select); coding-DNA position 718, G replaced by C.
Protein change: p.Glu240Gln; replaces glutamic acid 240 with glutamine.
Molecular consequence: missense variant.
Genome position (GRCh38, 1-based): chrX:100,407,880, C>G on the plus strand (G>C on the coding strand, the complement: PCDH19 is on the minus strand). VCF-style: chrX-100407880-C-G. GRCh37 (hg19) VCF-style: chrX-99662878-C-G.
Other names: p.E240Q:GAG>CAG; c.718G>C, p.Glu240Gln (NM_001105243.2, NM_020766.3); short protein forms E240Q.
Identifiers: ClinVar variation 206323 (VCV000206323.6), dbSNP rs796052808, ClinGen allele CA316324.